The following is an entry in ClinVar:

ClinVar aggregate classification (germline): Uncertain significance. Review status: criteria provided, multiple submitters, no conflicts (2 of 4 stars). 2 submissions from 2 submitters: Uncertain significance (2). Last evaluated 2026-06-03.

Conditions:
Inborn genetic diseases. Identifiers: MedGen C0950123, MeSH D030342.

Allele frequency attached by ClinVar (database versions not stated): gnomAD exomes below 0.00001.
gnomAD v4.1: 1 of 1,613,970 alleles (0.000062%); highest among the groups gnomAD compares: South Asian, 0.0011%; no homozygotes.

Submissions (2):

Ambry Genetics
Classification: Uncertain significance for Inborn genetic diseases. Last evaluated: 2026-06-03. Review status: criteria provided, single submitter. Criteria: Ambry Variant Classification Scheme 2023. Collection method: clinical testing. Allele origin: germline.

Labcorp Genetics (formerly Invitae), Labcorp
Classification: Uncertain significance. Last evaluated: 2021-02-20. Review status: criteria provided, single submitter. Criteria: Invitae Variant Classification Sherloc (09022015). Collection method: clinical testing. Allele origin: germline.
Comment: In summary, the available evidence is currently insufficient to determine the role of this variant in disease. Therefore, it has been classified as a Variant of Uncertain Significance. Advanced modeling of protein sequence and biophysical properties (such as structural, functional, and spatial information, amino acid conservation, physicochemical variation, residue mobility, and thermodynamic stability) performed at Invitae indicates that this missense variant is expected to disrupt COMP protein function. This variant has not been reported in the literature in individuals with COMP-related conditions. This variant is not present in population databases (ExAC no frequency). This sequence change replaces aspartic acid with glycine at codon 422 of the COMP protein (p.Asp422Gly). The aspartic acid residue is highly conserved and there is a moderate physicochemical difference between aspartic acid and glycine.

NM_000095.3(COMP):c.1265A>G (p.Asp422Gly)

Gene: COMP (cartilage oligomeric matrix protein; minus strand). Cytogenetic location: 19p13.11.
Variant type: single nucleotide variant.
Coding change: c.1265A>G on transcript NM_000095.3 (MANE Select); coding-DNA position 1265, A replaced by G.
Protein change: p.Asp422Gly; replaces aspartic acid 422 with glycine.
Molecular consequence: missense variant.
Genome position (GRCh38, 1-based): chr19:18,786,281, T>C on the plus strand (A>G on the coding strand, the complement: COMP is on the minus strand). VCF-style: chr19-18786281-T-C. GRCh37 (hg19) VCF-style: chr19-18897091-T-C.
Other names: c.1265A>G (NM_000095.2); short protein forms D422G.
Identifiers: ClinVar variation 1403952 (VCV001403952.9), dbSNP rs1568554988, ClinGen allele CA404885993.
Genomic context (GRCh38, chr19:18,786,281, plus strand): 5'-CCCAGGTGGCCTCCTTACTGGTCTTGATCGCTGTCACAAGCATCTCCCACAAAGTCGTGG[T>C]CCACATCCGCCTGCGGAGGGCAGCATGCGGGGGTCCATAATCAGACAGAGGAAATCAGAA-3'
Protein context (NP_000086.2, residues 412-432): QKSNPDQADV[Asp422Gly]HDFVGDACDS